The following is an entry in ClinVar:

ClinVar aggregate classification (germline): Uncertain significance (1 of 4 stars; one submission).

Submission:

Labcorp Genetics (formerly Invitae), Labcorp
Classification: Uncertain significance. Last evaluated: 2022-08-13. Review status: criteria provided, single submitter. Criteria: Invitae Variant Classification Sherloc (09022015). Collection method: clinical testing. Allele origin: germline.
Comment: This sequence change replaces glutamic acid, which is acidic and polar, with alanine, which is neutral and non-polar, at codon 3746 of the ANK3 protein (p.Glu3746Ala). This variant is not present in population databases (gnomAD no frequency). This variant has not been reported in the literature in individuals affected with ANK3-related conditions. Algorithms developed to predict the effect of missense changes on protein structure and function are either unavailable or do not agree on the potential impact of this missense change (SIFT: "Not Available"; PolyPhen-2: "Benign"; Align-GVGD: "Not Available"). In summary, the available evidence is currently insufficient to determine the role of this variant in disease. Therefore, it has been classified as a Variant of Uncertain Significance.

NM_020987.5(ANK3):c.11237A>C (p.Glu3746Ala)

Gene: ANK3 (ankyrin 3; minus strand). Cytogenetic location: 10q21.2.
Variant type: single nucleotide variant.
Coding change: c.11237A>C on transcript NM_020987.5 (MANE Select); coding-DNA position 11237, A replaced by C.
Protein change: p.Glu3746Ala; replaces glutamic acid 3746 with alanine.
Molecular consequence: missense variant. On other transcripts: intron variant (4).
Genome position (GRCh38, 1-based): chr10:60,069,644, T>G on the plus strand (A>C on the coding strand, the complement: ANK3 is on the minus strand). VCF-style: chr10-60069644-T-G. GRCh37 (hg19) VCF-style: chr10-61829402-T-G.
Other names: c.4388-1635A>C (NM_001204403.2); c.4409-1635A>C (NM_001204404.2); c.4406-1635A>C (NM_001320874.2); c.1808-1635A>C (NM_001149.4); short protein forms E3746A.
Identifiers: ClinVar variation 1716410 (VCV001716410.3), dbSNP rs2492517895, ClinGen allele CA376997409.